The following is an entry in ClinVar:

NM_022095.4(ZNF335):c.3658T>G (p.Ser1220Ala)

Gene: ZNF335 (zinc finger protein 335; minus strand). Cytogenetic location: 20q13.12.
Variant type: single nucleotide variant.
Coding change: c.3658T>G on transcript NM_022095.4 (MANE Select); coding-DNA position 3658, T replaced by G.
Protein change: p.Ser1220Ala; replaces serine 1220 with alanine.
Molecular consequence: missense variant.
Genome position (GRCh38, 1-based): chr20:45,949,811, A>C on the plus strand (T>G on the coding strand, the complement: ZNF335 is on the minus strand). VCF-style: chr20-45949811-A-C. GRCh37 (hg19) VCF-style: chr20-44578450-A-C.
Other names: short protein forms S1220A.
Identifiers: ClinVar variation 1488864 (VCV001488864.8), dbSNP rs755637424, ClinGen allele CA9884935.
Genomic context (GRCh38, chr20:45,949,811, plus strand): 5'-GAGGGTAGGAGGTCACAGCTGAGGGGATTAACAGTAGCTAGTAGCTCACCTGGTTGTCGG[A>C]GGTCACCAGGTGCTGTACGGTCTGGCCATCTGCCGTGGTGATCTCTTGGATGTAGGCGGC-3'
Protein context (NP_071378.1, residues 1210-1230): DGQTVQHLVT[Ser1220Ala]DNQVQYIISQ

ClinVar aggregate classification (germline): Uncertain significance (1 of 4 stars; one submission).

Allele frequency attached by ClinVar (database versions not stated): gnomAD 0.00001; TOPMed 0.00003; gnomAD exomes 0.00004; ExAC 0.00007.
gnomAD v4.1: 14 of 1,613,888 alleles (0.00087%); highest among the groups gnomAD compares: Admixed American, 0.022%; no homozygotes.

Submission:

Labcorp Genetics (formerly Invitae), Labcorp
Classification: Uncertain significance. Last evaluated: 2022-12-02. Review status: criteria provided, single submitter. Criteria: Invitae Variant Classification Sherloc (09022015). Collection method: clinical testing. Allele origin: germline.
Comment: In summary, the available evidence is currently insufficient to determine the role of this variant in disease. Therefore, it has been classified as a Variant of Uncertain Significance. Algorithms developed to predict the effect of missense changes on protein structure and function output the following: SIFT: "Tolerated"; PolyPhen-2: "Benign"; Align-GVGD: "Class C0". The alanine amino acid residue is found in multiple mammalian species, which suggests that this missense change does not adversely affect protein function. ClinVar contains an entry for this variant (Variation ID: 1488864). This variant has not been reported in the literature in individuals affected with ZNF335-related conditions. This variant is present in population databases (rs755637424, gnomAD 0.02%). This sequence change replaces serine, which is neutral and polar, with alanine, which is neutral and non-polar, at codon 1220 of the ZNF335 protein (p.Ser1220Ala).